The following is an entry in ClinVar:

ClinVar aggregate classification (germline): Uncertain significance. Review status: criteria provided, single submitter (1 of 4 stars). 2 submissions from 2 submitters: Uncertain significance (1). 1 of the submissions does not count toward it. Last evaluated 2022-06-04.

Conditions:
Nemaline myopathy 2 (NEM2). Also called: Nemaline myopathy 2, autosomal recessive. Identifiers: MedGen C1850569, MONDO:0009725, OMIM 256030.

gnomAD v4.1: 3 of 1,613,782 alleles (0.00019%); highest among the groups gnomAD compares: South Asian, 0.0033%; no homozygotes.

Submissions (2):

Labcorp Genetics (formerly Invitae), Labcorp
Classification: Uncertain significance for Nemaline myopathy 2. Last evaluated: 2022-06-04. Review status: criteria provided, single submitter. Criteria: Invitae Variant Classification Sherloc (09022015). Collection method: clinical testing. Allele origin: germline.
Comment: This sequence change replaces isoleucine, which is neutral and non-polar, with valine, which is neutral and non-polar, at codon 3994 of the NEB protein (p.Ile3994Val). This variant is present in population databases (rs751650751, gnomAD 0.003%). This variant has not been reported in the literature in individuals affected with NEB-related conditions. ClinVar contains an entry for this variant (Variation ID: 658482). Algorithms developed to predict the effect of missense changes on protein structure and function are either unavailable or do not agree on the potential impact of this missense change (SIFT: "Deleterious"; PolyPhen-2: "Not Available"; Align-GVGD: "Class C0"). In summary, the available evidence is currently insufficient to determine the role of this variant in disease. Therefore, it has been classified as a Variant of Uncertain Significance.

Natera, Inc.
Classification: Uncertain significance for Nemaline myopathy type 2. Last evaluated: 2020-11-25. Review status: no assertion criteria provided. Collection method: clinical testing. Allele origin: germline. Not counted in ClinVar's aggregate classification.

NM_001164508.2(NEB):c.11980A>G (p.Ile3994Val)

Gene: NEB (nebulin; minus strand). Cytogenetic location: 2q23.3.
Variant type: single nucleotide variant.
Coding change: c.11980A>G on transcript NM_001164508.2 (MANE Select); coding-DNA position 11980, A replaced by G.
Protein change: p.Ile3994Val; replaces isoleucine 3994 with valine.
Molecular consequence: missense variant.
Genome position (GRCh38, 1-based): chr2:151,610,554, T>C on the plus strand (A>G on the coding strand, the complement: NEB is on the minus strand). VCF-style: chr2-151610554-T-C. GRCh37 (hg19) VCF-style: chr2-152467068-T-C.
Other names: c.11980A>G, p.Ile3994Val (NM_001164507.2, NM_001271208.2); c.11251A>G, p.Ile3751Val (NM_004543.5); short protein forms I3751V, I3994V.
Identifiers: ClinVar variation 658482 (VCV000658482.10), dbSNP rs751650751, ClinGen allele CA1908618.
Genomic context (GRCh38, chr2:151,610,554, plus strand): 5'-GAGTTAGATGGAAGGTACTCACGTCACTGGCGATGTCCCTGGAGGCCTTGGCACTTTTGA[T>C]GGAAATAGCATCTGCTCTCAGATCATAGTCCTTCATCTTTGATTCATCCCATCCCTTGGT-3'
Protein context (NP_001157980.2, residues 3984-4004): DYDLRADAIS[Ile3994Val]KSAKASRDIA